The following is an entry in ClinVar:

ClinVar aggregate classification (germline): Uncertain significance (1 of 4 stars; one submission).

Conditions:
Granulomatous disease, chronic, X-linked. Also called: CYTOCHROME b-NEGATIVE GRANULOMATOUS DISEASE, CHRONIC, X-LINKED; GRANULOMATOUS DISEASE, CHRONIC, X-LINKED, SOMATIC MOSAIC. Identifiers: Orphanet 379, MedGen C1844376, MONDO:0010600, OMIM 306400.

Submission:

Labcorp Genetics (formerly Invitae), Labcorp
Classification: Uncertain significance for Chronic granulomatous disease, X-linked. Last evaluated: 2018-07-16. Review status: criteria provided, single submitter. Criteria: Invitae Variant Classification Sherloc (09022015). Collection method: clinical testing. Allele origin: germline.
Comment: This sequence change replaces glycine with arginine at codon 316 of the CYBB protein (p.Gly316Arg). The glycine residue is highly conserved and there is a moderate physicochemical difference between glycine and arginine. This variant is not present in population databases (ExAC no frequency). This variant has not been reported in the literature in individuals with CYBB-related disease. Algorithms developed to predict the effect of missense changes on protein structure and function (SIFT, PolyPhen-2, Align-GVGD) all suggest that this variant is likely to be disruptive, but these predictions have not been confirmed by published functional studies and their clinical significance is uncertain. In summary, the available evidence is currently insufficient to determine the role of this variant in disease. Therefore, it has been classified as a Variant of Uncertain Significance.

NM_000397.4(CYBB):c.946G>C (p.Gly316Arg)

Gene: CYBB (cytochrome b-245 beta chain; plus strand). Cytogenetic location: Xp11.4.
Variant type: single nucleotide variant.
Coding change: c.946G>C on transcript NM_000397.4 (MANE Select); coding-DNA position 946, G replaced by C.
Protein change: p.Gly316Arg; replaces glycine 316 with arginine.
Molecular consequence: missense variant.
Genome position (GRCh38, 1-based): chrX:37,803,925, G>C. VCF-style: chrX-37803925-G-C. GRCh37 (hg19) VCF-style: chrX-37663178-G-C.
Other names: short protein forms G316R.
Identifiers: ClinVar variation 655529 (VCV000655529.1), dbSNP rs1602183141, ClinGen allele CA412977117.